The following is an entry in ClinVar:

ClinVar aggregate classification (germline): Benign (1 of 4 stars; one submission).

Conditions:
Familial cancer of breast. Also called: hereditary breast carcinoma; Hereditary breast cancer; BREAST CANCER, FAMILIAL. Identifiers: Orphanet 227535, MedGen C0346153, MONDO:0016419, OMIM 114480. Disease mechanism: loss of function.

Submission:

Myriad Genetics, Inc.
Classification: Benign for Familial cancer of breast. Last evaluated: 2024-09-10. Review status: criteria provided, single submitter. Criteria: Myriad Autosomal Dominant, Autosomal Recessive and X-Linked Classification Criteria (2023). Collection method: clinical testing. Allele origin: unknown.
Comment: This variant is considered benign. This variant is a silent/synonymous amino acid change and it is not expected to impact splicing.

NM_032043.3(BRIP1):c.3597G>T (p.Leu1199=)

Gene: BRIP1 (BRCA1 interacting DNA helicase 1; minus strand). Cytogenetic location: 17q23.2.
Variant type: single nucleotide variant.
Coding change: c.3597G>T on transcript NM_032043.3 (MANE Select); coding-DNA position 3597, G replaced by T.
Protein change: p.Leu1199=; no amino-acid change (leucine 1199 retained).
Molecular consequence: synonymous variant.
Genome position (GRCh38, 1-based): chr17:61,683,449, C>A on the plus strand (G>T on the coding strand, the complement: BRIP1 is on the minus strand). VCF-style: chr17-61683449-C-A. GRCh37 (hg19) VCF-style: chr17-59760810-C-A.
Identifiers: ClinVar variation 3378830 (VCV003378830.1).